The following is an entry in ClinVar:

NM_000548.5(TSC2):c.4775T>C (p.Val1592Ala)

Gene: TSC2 (TSC complex subunit 2; plus strand). Cytogenetic location: 16p13.3.
Variant type: single nucleotide variant.
Coding change: c.4775T>C on transcript NM_000548.5 (MANE Select); coding-DNA position 4775, T replaced by C.
Protein change: p.Val1592Ala; replaces valine 1592 with alanine.
Molecular consequence: missense variant. On other transcripts: non-coding transcript variant (5).
Genome position (GRCh38, 1-based): chr16:2,086,305, T>C. VCF-style: chr16-2086305-T-C. GRCh37 (hg19) VCF-style: chr16-2136306-T-C.
Other names: c.4574T>C, p.Val1525Ala (NM_001077183.3); c.4706T>C, p.Val1569Ala (NM_001114382.3); c.4466T>C, p.Val1489Ala (NM_001318827.2); c.4430T>C, p.Val1477Ala (NM_001318829.2); c.4043T>C, p.Val1348Ala (NM_001318831.2); c.4607T>C, p.Val1536Ala (NM_001318832.2); c.4577T>C, p.Val1526Ala (NM_001363528.2); c.4643T>C, p.Val1548Ala (NM_001370404.1); and 26 more; short protein forms V1078A, V1372A, V1488A, V1506A, V1519A, V1555A, V1592A, V991A.
Identifiers: ClinVar variation 2839101 (VCV002839101.3), dbSNP rs2151573942, ClinGen allele CA394307920.

ClinVar aggregate classification (germline): Uncertain significance (1 of 4 stars; one submission).

Conditions:
Tuberous sclerosis 2 (TSC2). Identifiers: Orphanet 805, MedGen C1860707, MONDO:0013199, OMIM 613254.

Submission:

Labcorp Genetics (formerly Invitae), Labcorp
Classification: Uncertain significance for Tuberous sclerosis 2. Last evaluated: 2023-02-20. Review status: criteria provided, single submitter. Criteria: Invitae Variant Classification Sherloc (09022015). Collection method: clinical testing. Allele origin: germline.
Comment: In summary, the available evidence is currently insufficient to determine the role of this variant in disease. Therefore, it has been classified as a Variant of Uncertain Significance. Advanced modeling of protein sequence and biophysical properties (such as structural, functional, and spatial information, amino acid conservation, physicochemical variation, residue mobility, and thermodynamic stability) performed at Invitae indicates that this missense variant is not expected to disrupt TSC2 protein function. This variant has not been reported in the literature in individuals affected with TSC2-related conditions. This variant is not present in population databases (gnomAD no frequency). This sequence change replaces valine, which is neutral and non-polar, with alanine, which is neutral and non-polar, at codon 1592 of the TSC2 protein (p.Val1592Ala).